The following is an entry in ClinVar:

NM_001001557.4(GDF6):c.740C>G (p.Ala247Gly)

Gene: GDF6 (growth differentiation factor 6; minus strand). Cytogenetic location: 8q22.1.
Variant type: single nucleotide variant.
Coding change: c.740C>G on transcript NM_001001557.4 (MANE Select); coding-DNA position 740, C replaced by G.
Protein change: p.Ala247Gly; replaces alanine 247 with glycine.
Molecular consequence: missense variant.
Genome position (GRCh38, 1-based): chr8:96,145,191, G>C on the plus strand (C>G on the coding strand, the complement: GDF6 is on the minus strand). VCF-style: chr8-96145191-G-C. GRCh37 (hg19) VCF-style: chr8-97157419-G-C.
Other names: short protein forms A247G.
Identifiers: ClinVar variation 4785342 (VCV004785342.1).

ClinVar aggregate classification (germline): Uncertain significance (1 of 4 stars; one submission).

Conditions:
Microphthalmia, isolated, with coloboma 6 (MCOPCB6). Also called: Microphthalmia with coloboma 6, digenic; Microphthalmia with coloboma 6; MICROPHTHALMIA/COLOBOMA 6. Identifiers: Orphanet 98938, MedGen C3150968, MONDO:0013376, OMIM 613703.
Leber congenital amaurosis 17 (LCA17). Identifiers: Orphanet 65, MedGen C3715164, MONDO:0014145, OMIM 615360.
Klippel-Feil syndrome 1, autosomal dominant (KFS1). Also called: CERVICAL VERTEBRAL FUSION, AUTOSOMAL DOMINANT. Identifiers: Orphanet 2345, MedGen C1861689, MONDO:0007306, OMIM 118100.
Isolated microphthalmia 4. Identifiers: Orphanet 2542, MedGen C2751307, MONDO:0013130, OMIM 613094.

Submission:

Labcorp Genetics (formerly Invitae), Labcorp
Classification: Uncertain significance for Isolated microphthalmia 4; Leber congenital amaurosis 17; Klippel-Feil syndrome 1, autosomal dominant; Microphthalmia, isolated, with coloboma 6. Last evaluated: 2025-06-25. Review status: criteria provided, single submitter. Criteria: Invitae Variant Classification Sherloc (09022015). Collection method: clinical testing. Allele origin: germline.
Comment: This sequence change replaces alanine, which is neutral and non-polar, with glycine, which is neutral and non-polar, at codon 247 of the GDF6 protein (p.Ala247Gly). This variant is not present in population databases (gnomAD no frequency). This variant has not been reported in the literature in individuals affected with GDF6-related conditions. An algorithm developed to predict the effect of missense changes on protein structure and function outputs the following: PolyPhen-2: "Benign". The glycine amino acid residue is found in multiple mammalian species, which suggests that this missense change does not adversely affect protein function. In summary, the available evidence is currently insufficient to determine the role of this variant in disease. Therefore, it has been classified as a Variant of Uncertain Significance.